The following is an entry in ClinVar:

ClinVar aggregate classification (germline): Uncertain significance (1 of 4 stars; one submission).

Conditions:
Cardiovascular phenotype. Identifiers: MedGen CN230736.

Submission:

Ambry Genetics
Classification: Uncertain significance for Cardiovascular phenotype. Last evaluated: 2019-08-26. Review status: criteria provided, single submitter. Criteria: Ambry Variant Classification Scheme 2023. Collection method: clinical testing. Allele origin: germline.
Comment: The p.G3072S variant (also known as c.9214G>A) is located in coding exon 38 of the AKAP9 gene. The glycine at codon 3072 is replaced by serine, an amino acid with similar properties. This change occurs in the first base pair of coding exon 38. This amino acid position is not well conserved in available vertebrate species, and serine is the reference amino acid in other vertebrate species. In addition, this alteration is predicted to be tolerated by in silico analysis. Since supporting evidence is limited at this time, the clinical significance of this alteration remains unclear.

NM_005751.5(AKAP9):c.9214G>A (p.Gly3072Ser)

Gene: AKAP9 (A-kinase anchoring protein 9; plus strand). Cytogenetic location: 7q21.2.
Variant type: single nucleotide variant.
Coding change: c.9214G>A on transcript NM_005751.5 (MANE Select); coding-DNA position 9214, G replaced by A.
Protein change: p.Gly3072Ser; replaces glycine 3072 with serine.
Molecular consequence: missense variant.
Genome position (GRCh38, 1-based): chr7:92,089,385, G>A. VCF-style: chr7-92089385-G-A. GRCh37 (hg19) VCF-style: chr7-91718699-G-A.
Other names: c.3859G>A, p.Gly1287Ser (NM_001379277.1); c.9190G>A, p.Gly3064Ser (NM_147185.3); short protein forms G3064S, G3072S, G1287S.
Identifiers: ClinVar variation 1766211 (VCV001766211.2), dbSNP rs2535277776, ClinGen allele CA368144468.